The following is an entry in ClinVar:

NM_001083619.3(GRIA2):c.667-1372G>A

Gene: GRIA2 (glutamate ionotropic receptor AMPA type subunit 2; plus strand). Cytogenetic location: 4q32.1.
Variant type: single nucleotide variant.
Coding change: c.667-1372G>A on transcript NM_001083619.3 (MANE Select); 1372 bases into the intron before coding-DNA position 667, G replaced by A.
Molecular consequence: intron variant.
Genome position (GRCh38, 1-based): chr4:157,316,286, G>A. VCF-style: chr4-157316286-G-A. GRCh37 (hg19) VCF-style: chr4-158237438-G-A.
Other names: c.526-1372G>A (NM_001379000.3, NM_001379001.3, NM_001083620.3); c.667-1372G>A (NM_000826.6).
Identifiers: ClinVar variation 4291825 (VCV004291825.1).

ClinVar aggregate classification (germline): Uncertain significance (1 of 4 stars; one submission).

Conditions:
Neurodevelopmental disorder with language impairment and behavioral abnormalities. Also called: GRIA2-related neurodevelopmental disorder. Identifiers: MedGen C5394502, MONDO:0030060, OMIM 618917.

Submission:

3billion
Classification: Uncertain significance for Neurodevelopmental disorder with language impairment and behavioral abnormalities. Last evaluated: 2025-01-09. Review status: criteria provided, single submitter. Criteria: ACMG Guidelines, 2015. Collection method: clinical testing. Allele origin: germline. Affected: yes.
Comment: The variant is not observed in the gnomAD v4.1.0 dataset. Predicted Consequence/Location: Intron variant In silico tools predict the variant to alter splicing and produce an abnormal transcript [SpliceAI: 0.35 (>=0.2, moderate evidence for spliceogenicity)]. Therefore, this variant is classified as VUS according to the recommendation of ACMG/AMP guideline.